The following is an entry in ClinVar:

ClinVar aggregate classification (germline): Conflicting classifications of pathogenicity. Review status: criteria provided, conflicting classifications (1 of 4 stars). 4 submissions from 4 submitters: Uncertain significance (3); Likely benign (1). Last evaluated 2026-02-23.

Conditions:
Familial thoracic aortic aneurysm and aortic dissection (TAAD). Also called: Thoracic aortic aneurysms and dissections. Identifiers: Orphanet 91387, MedGen C4707243, MONDO:0019625.
Heterotopia, periventricular, X-linked dominant (PVNH1). Also called: PERIVENTRICULAR NODULAR HETEROTOPIA 1; X-linked periventricular heterotopia; PERIVENTRICULAR NODULAR HETEROTOPIA 4; HETEROTOPIA, PERIVENTRICULAR, 1. Identifiers: Orphanet 2149, Orphanet 82004, MedGen C1848213, MONDO:0010233, OMIM 300049.
Oto-palato-digital syndrome, type II (OPD2). Also called: FACIOPALATOOSSEOUS SYNDROME; OPD II SYNDROME; Otopalatodigital Syndrome Type 2 (FLNA-OPD2); Otopalatodigital Syndrome, Type II. Identifiers: Orphanet 669, Orphanet 90652, MedGen C1844696, MONDO:0010571, OMIM 304120.
Frontometaphyseal dysplasia (FMD1). Identifiers: Orphanet 1826, MedGen C0265293, MONDO:0015942.
Melnick-Needles syndrome (MNS). Also called: MELNICK-NEEDLES OSTEODYSPLASTY; OSTEODYSPLASTY OF MELNICK AND NEEDLES; Melnick-Needles Syndrome (FLNA-MNS). Identifiers: Orphanet 2484, MedGen C0025237, MONDO:0010650, OMIM 309350.

Allele frequency attached by ClinVar (database versions not stated): gnomAD exomes 0.00003 and 0.00004; ExAC 0.00006; gnomAD 0.00006 and 0.00007; TOPMed 0.00013.
gnomAD v4.1: 54 of 1,210,466 alleles (0.0045%); highest among the groups gnomAD compares: African/African-American, 0.0052%; no homozygotes.

Submissions (4):

Ambry Genetics
Classification: Uncertain significance for Familial thoracic aortic aneurysm and aortic dissection. Last evaluated: 2026-02-23. Review status: criteria provided, single submitter. Criteria: Ambry Variant Classification Scheme 2023. Collection method: clinical testing. Allele origin: germline.
Comment: The c.7181T>C (p.I2394T) alteration is located in exon 44 (coding exon 43) of the FLNA gene. This alteration results from a T to C substitution at nucleotide position 7181, causing the isoleucine (I) at amino acid position 2394 to be replaced by a threonine (T). Based on data from gnomAD, the C allele has an overall frequency of 0.003% (6/181756) total alleles studied. The highest observed frequency was 0.007% (6/81483) of European (non-Finnish) alleles. Based on insufficient or conflicting evidence, the clinical significance of this alteration remains unclear.

Labcorp Genetics (formerly Invitae), Labcorp
Classification: Likely benign for Oto-palato-digital syndrome, type II; Heterotopia, periventricular, X-linked dominant; Frontometaphyseal dysplasia; Melnick-Needles syndrome. Last evaluated: 2025-09-07. Review status: criteria provided, single submitter. Criteria: Invitae Variant Classification Sherloc (09022015). Collection method: clinical testing. Allele origin: germline.

GeneDx
Classification: Uncertain significance. Last evaluated: 2023-12-20. Review status: criteria provided, single submitter. Criteria: GeneDx Variant Classification Process June 2021. Collection method: clinical testing. Allele origin: germline. Affected: yes.
Comment: Has not been previously published as pathogenic or benign to our knowledge; In silico analysis supports that this missense variant has a deleterious effect on protein structure/function

Mayo Clinic Laboratories, Mayo Clinic
Classification: Uncertain significance. Last evaluated: 2022-10-27. Review status: criteria provided, single submitter. Criteria: ACMG Guidelines, 2015. Collection method: clinical testing. Allele origin: germline. Observed: 1 variant allele.
Comment: PP2, PP3

NM_001110556.2(FLNA):c.7205T>C (p.Ile2402Thr)

Gene: FLNA (filamin A; minus strand). Cytogenetic location: Xq28.
Variant type: single nucleotide variant.
Coding change: c.7205T>C on transcript NM_001110556.2 (MANE Select); coding-DNA position 7205, T replaced by C.
Protein change: p.Ile2402Thr; replaces isoleucine 2402 with threonine.
Molecular consequence: missense variant.
Genome position (GRCh38, 1-based): chrX:154,350,159, A>G on the plus strand (T>C on the coding strand, the complement: FLNA is on the minus strand). VCF-style: chrX-154350159-A-G. GRCh37 (hg19) VCF-style: chrX-153578527-A-G.
Other names: p.Ile2394Thr; c.7181T>C, p.Ile2394Thr (NM_001456.4); short protein forms I2402T, I2394T.
Identifiers: ClinVar variation 465017 (VCV000465017.18), dbSNP rs202152952, ClinGen allele CA10559936.